The following is an entry in ClinVar:

NM_004655.4(AXIN2):c.1637G>T (p.Gly546Val)

Gene: AXIN2 (axin 2; minus strand). Cytogenetic location: 17q24.1.
Variant type: single nucleotide variant.
Coding change: c.1637G>T on transcript NM_004655.4 (MANE Select); coding-DNA position 1637, G replaced by T.
Protein change: p.Gly546Val; replaces glycine 546 with valine.
Molecular consequence: missense variant.
Genome position (GRCh38, 1-based): chr17:65,537,399, C>A on the plus strand (G>T on the coding strand, the complement: AXIN2 is on the minus strand). VCF-style: chr17-65537399-C-A. GRCh37 (hg19) VCF-style: chr17-63533517-C-A.
Other names: c.1637G>T (LRG_296t1); c.1637G>T, p.Gly546Val (NM_001363813.1); short protein forms G546V.
Identifiers: ClinVar variation 234520 (VCV000234520.28), dbSNP rs145717795, ClinGen allele CA8718587.
Genomic context (GRCh38, chr17:65,537,399, plus strand): 5'-GGCATGGTTTCCGGAGCCTTGGAGTGGCTTTTGCATTTCGAGTAGCAGTAATACTCGCTG[C>A]CCCCAGGGCAGAAGCAGTGCACCCGCTGCGTGGCCTCCGCCTCGATCTCCTCCTTGGTCT-3'
Protein context (NP_004646.3, residues 536-556): TQRVHCFCPG[Gly546Val]SEYYCYSKCK

ClinVar aggregate classification (germline): Conflicting classifications of pathogenicity. Review status: criteria provided, conflicting classifications (1 of 4 stars). 6 submissions from 6 submitters: Uncertain significance (3); Benign (1); Likely benign (2). Last evaluated 2026-03-16.

Conditions:
AXIN2-related disorder.
Hereditary cancer-predisposing syndrome. Also called: Neoplastic Syndromes, Hereditary; Hereditary neoplastic syndrome; Hereditary Cancer Syndrome; Tumor predisposition. Identifiers: Orphanet 140162, MedGen C0027672, MeSH D009386, MONDO:0015356.
Oligodontia-cancer predisposition syndrome. Also called: TOOTH AGENESIS-COLORECTAL CANCER SYNDROME. Identifiers: Orphanet 300576, MedGen C1837750, MONDO:0012075, OMIM 608615. Disease mechanism: loss of function.

Allele frequency attached by ClinVar (database versions not stated): gnomAD 0.00022 and 0.00024; TOPMed 0.00027; 1000 Genomes Project 30x 0.00031; ESP Exome Variant Server 0.00038; 1000 Genomes Project 0.00040.
gnomAD v4.1: 62 of 1,614,032 alleles (0.0038%); highest among the groups gnomAD compares: African/African-American, 0.076%; no homozygotes.

Submissions (6):

Dasa
Classification: Uncertain significance. Last evaluated: 2026-03-16. Review status: criteria provided, single submitter. Criteria: DASA Assertion Criteria. Collection method: clinical testing. Allele origin: germline.
Comment: NM_004655.4(AXIN2):c.1637G>T (p.Gly546Val) is a missense variant that results in the substitution of glycine with valine. This variant is rare in population databases. The currently available literature and clinical evidence are not sufficient to establish a definitive association between this variant and the reported condition. Therefore, this variant is classified as a variant of uncertain significance.

PreventionGenetics, part of Exact Sciences
Classification: Likely benign for AXIN2-related condition. Last evaluated: 2026-02-08. Review status: criteria provided, single submitter. Criteria: ACMG Guidelines, 2015. Collection method: clinical testing. Allele origin: germline.
Comment: This variant is classified as likely benign based on ACMG/AMP sequence variant interpretation guidelines (Richards et al. 2015 PMID: 25741868, with internal and published modifications).

Labcorp Genetics (formerly Invitae), Labcorp
Classification: Likely benign for Oligodontia-cancer predisposition syndrome. Last evaluated: 2026-02-03. Review status: criteria provided, single submitter. Criteria: Invitae Variant Classification Sherloc (09022015). Collection method: clinical testing. Allele origin: germline.

GeneDx
Classification: Uncertain significance. Last evaluated: 2024-10-23. Review status: criteria provided, single submitter. Criteria: GeneDx Variant Classification Process June 2021. Collection method: clinical testing. Allele origin: germline. Affected: yes.
Comment: In silico analysis supports that this missense variant does not alter protein structure/function; Has not been previously published as pathogenic or benign to our knowledge; This variant is associated with the following publications: (PMID: 28569743)

Ambry Genetics
Classification: Benign for Hereditary cancer-predisposing syndrome. Last evaluated: 2023-08-07. Review status: criteria provided, single submitter. Criteria: Ambry Variant Classification Scheme 2023. Collection method: clinical testing. Allele origin: germline.

Sema4
Classification: Uncertain significance for Hereditary cancer-predisposing syndrome. Last evaluated: 2021-08-08. Review status: criteria provided, single submitter. Criteria: Sema4 Curation Guidelines. Collection method: curation. Allele origin: germline.
Comment: The AXIN2 c.1637G>T (p.G546V) variant has not been reported in the literature to our knowledge. It was observed in 22/24956 chromosomes of the African/African American subpopulation, with no homozygotes, in the large and broad cohorts of the Genome Aggregation Database. This variant has been reported in ClinVar (Variation ID 234520). Functional studies have not been performed, and in silico predictions of the variant's effect on protein function are inconclusive. There is no indication that this variant causes disease, but the evidence is insufficient currently to prove that conclusively. Thus, the clinical significance of this variant is currently uncertain.